The following is an entry in ClinVar:

NM_021830.5(TWNK):c.1409A>C (p.Lys470Thr)

Gene: TWNK (twinkle mtDNA helicase; plus strand). Cytogenetic location: 10q24.31.
Variant type: single nucleotide variant.
Coding change: c.1409A>C on transcript NM_021830.5 (MANE Select); coding-DNA position 1409, A replaced by C.
Protein change: p.Lys470Thr; replaces lysine 470 with threonine.
Molecular consequence: missense variant. On other transcripts: non-coding transcript variant (5).
Genome position (GRCh38, 1-based): chr10:100,989,809, A>C. VCF-style: chr10-100989809-A-C. GRCh37 (hg19) VCF-style: chr10-102749566-A-C.
Other names: c.1409A>C, p.Lys470Thr (NM_001163812.2); c.47A>C, p.Lys16Thr (NM_001163813.2, NM_001163814.2, NM_001368275.1); short protein forms K16T, K470T.
Identifiers: ClinVar variation 2768494 (VCV002768494.3), dbSNP rs1292886347, ClinGen allele CA378210839.

ClinVar aggregate classification (germline): Uncertain significance (1 of 4 stars; one submission).

Submission:

Labcorp Genetics (formerly Invitae), Labcorp
Classification: Uncertain significance. Last evaluated: 2023-10-14. Review status: criteria provided, single submitter. Criteria: Invitae Variant Classification Sherloc (09022015). Collection method: clinical testing. Allele origin: germline.
Comment: This sequence change replaces lysine, which is basic and polar, with threonine, which is neutral and polar, at codon 470 of the TWNK protein (p.Lys470Thr). This variant is not present in population databases (gnomAD no frequency). This variant has not been reported in the literature in individuals affected with TWNK-related conditions. Advanced modeling of protein sequence and biophysical properties (such as structural, functional, and spatial information, amino acid conservation, physicochemical variation, residue mobility, and thermodynamic stability) has been performed at Invitae for this missense variant, however the output from this modeling did not meet the statistical confidence thresholds required to predict the impact of this variant on TWNK protein function. In summary, the available evidence is currently insufficient to determine the role of this variant in disease. Therefore, it has been classified as a Variant of Uncertain Significance.